The following is an entry in ClinVar:

NM_000218.3(KCNQ1):c.*479G>A

Genes: KCNQ1 (potassium voltage-gated channel subfamily Q member 1; plus strand), KCNQ1-AS1 (KCNQ1 antisense RNA 1; minus strand). Cytogenetic location: 11p15.4.
Variant type: single nucleotide variant.
Coding change: c.*479G>A on transcript NM_000218.3 (MANE Select); 479 bases downstream of the stop codon, G replaced by A.
Molecular consequence: 3 prime UTR variant.
Genome position (GRCh38, 1-based): chr11:2,848,482, G>A. VCF-style: chr11-2848482-G-A. GRCh37 (hg19) VCF-style: chr11-2869712-G-A.
Other names: c.*479G>A (NM_001406836.1, NM_001406837.1, NM_001406838.1 and 2 more transcripts).
Identifiers: ClinVar variation 304249 (VCV000304249.18), dbSNP rs2519184, ClinGen allele CA037888.

ClinVar aggregate classification (germline): Benign. Review status: criteria provided, multiple submitters, no conflicts (2 of 4 stars). 7 submissions from 4 submitters: Benign (7). Last evaluated 2026-01-15.

Conditions:
Jervell and Lange-Nielsen syndrome 1 (JLNS1). Also called: CARDIOAUDITORY SYNDROME OF JERVELL AND LANGE-NIELSEN; DEAFNESS, CONGENITAL, AND FUNCTIONAL HEART DISEASE; PROLONGED QT INTERVAL IN EKG AND SUDDEN DEATH; SURDO-CARDIAC SYNDROME. Identifiers: Orphanet 768, Orphanet 90647, MedGen C4551509, MONDO:0024540, OMIM 220400.
Long QT syndrome (LQTS). Identifiers: MedGen C0023976, MeSH D008133, MONDO:0002442. Disease mechanism: loss of function. Inheritance: Various modes of inheritance.
Short QT syndrome type 2. Identifiers: Orphanet 51083, MedGen C1865019, MONDO:0012313, OMIM 609621.
Long QT syndrome 1 (LQT1). Identifiers: Orphanet 101016, Orphanet 768, MedGen C4551647, MONDO:0100316, OMIM 192500, MONDO:0008646.
Atrial fibrillation, familial, 3 (ATFB3). Identifiers: MedGen C1837014, MONDO:0011857, OMIM 607554.

Allele frequency attached by ClinVar (database versions not stated): 1000 Genomes Project 0.09105; 1000 Genomes Project 30x 0.09666; gnomAD 0.10424; ExAC 0.10548; TOPMed 0.10760; gnomAD exomes 0.10984 and 0.12461.
gnomAD v4.1: 49,060 of 457,636 alleles (11%); highest among the groups gnomAD compares: Admixed American, 23%; 3,395 homozygotes.

Submissions (7):

Labcorp Genetics (formerly Invitae), Labcorp
Classification: Benign for Long QT syndrome. Last evaluated: 2026-01-15. Review status: criteria provided, single submitter. Criteria: Invitae Variant Classification Sherloc (09022015). Collection method: clinical testing. Allele origin: germline.

GeneDx
Classification: Benign. Last evaluated: 2021-05-12. Review status: criteria provided, single submitter. Criteria: GeneDx Variant Classification Process June 2021. Collection method: clinical testing. Allele origin: germline. Affected: yes.
Comment: This variant is associated with the following publications: (PMID: 27531917, 22199116)

Illumina Laboratory Services, Illumina
Classification: Benign for Long QT syndrome 1. Last evaluated: 2017-04-27. Review status: criteria provided, single submitter. Criteria: ICSL Variant Classification Criteria 13 December 2019. Collection method: clinical testing. Allele origin: germline.
Comment: This variant was observed as part of a predisposition screen in an ostensibly healthy population. A literature search was performed for the gene, cDNA change, and amino acid change (where applicable). No publications were found based on this search. Allele frequency data from public databases was too high to be consistent with this variant causing disease. Therefore, this variant is classified as benign.

Illumina Laboratory Services, Illumina
Classification: Benign for Jervell and Lange-Nielsen syndrome 1. Last evaluated: 2017-04-27. Review status: criteria provided, single submitter. Criteria: ICSL Variant Classification Criteria 13 December 2019. Collection method: clinical testing. Allele origin: germline.
Comment: the same text as in the submission from Illumina Laboratory Services, Illumina above.

Illumina Laboratory Services, Illumina
Classification: Benign for Short QT syndrome type 2. Last evaluated: 2017-04-27. Review status: criteria provided, single submitter. Criteria: ICSL Variant Classification Criteria 13 December 2019. Collection method: clinical testing. Allele origin: germline.
Comment: the same text as in the submission from Illumina Laboratory Services, Illumina above.

Illumina Laboratory Services, Illumina
Classification: Benign for Atrial fibrillation, familial, 3. Last evaluated: 2017-04-27. Review status: criteria provided, single submitter. Criteria: ICSL Variant Classification Criteria 13 December 2019. Collection method: clinical testing. Allele origin: germline.
Comment: the same text as in the submission from Illumina Laboratory Services, Illumina above.

Breakthrough Genomics
Classification: Benign. Review status: criteria provided, single submitter. Criteria: ACMG Guidelines, 2015. Collection method: not provided. Allele origin: germline. Inheritance: Autosomal recessive inheritance. Affected: yes.